The following is an entry in ClinVar:

NM_001035.3(RYR2):c.11447G>A (p.Gly3816Asp)

Gene: RYR2 (ryanodine receptor 2; plus strand). Cytogenetic location: 1q43.
Variant type: single nucleotide variant.
Coding change: c.11447G>A on transcript NM_001035.3 (MANE Select); coding-DNA position 11447, G replaced by A.
Protein change: p.Gly3816Asp; replaces glycine 3816 with aspartic acid.
Molecular consequence: missense variant.
Genome position (GRCh38, 1-based): chr1:237,760,999, G>A. VCF-style: chr1-237760999-G-A. GRCh37 (hg19) VCF-style: chr1-237924299-G-A.
Other names: short protein forms G3816D.
Identifiers: ClinVar variation 2627975 (VCV002627975.1), dbSNP rs762164147, ClinGen allele CA084963.

ClinVar aggregate classification (germline): Uncertain significance (1 of 4 stars; one submission).

Conditions:
Catecholaminergic polymorphic ventricular tachycardia 1. Also called: VENTRICULAR TACHYCARDIA, STRESS-INDUCED POLYMORPHIC 1; RYR2-Related Catecholaminergic Polymorphic Ventricular Tachycardia; VENTRICULAR TACHYCARDIA, CATECHOLAMINERGIC POLYMORPHIC, 1, WITH OR WITHOUT ATRIAL DYSFUNCTION AND/OR DILATED CARDIOMYOPATHY. Identifiers: Orphanet 3286, MedGen C1631597, MONDO:0011484, OMIM 604772.

Allele frequency attached by ClinVar (database versions not stated): gnomAD exomes below 0.00001; ExAC 0.00003.

Submission:

Neuberg Centre For Genomic Medicine, NCGM
Classification: Uncertain significance for Catecholaminergic polymorphic ventricular tachycardia 1. Review status: criteria provided, single submitter. Criteria: ACMG Guidelines, 2015. Collection method: clinical testing. Allele origin: germline. Inheritance: Autosomal dominant inheritance. Affected: yes.
Comment: The missense variant p.G3816D in RYR2 (NM_001035.3) has not been reported previously as a pathogenic variant nor as a benign variant, to our knowledge. is novel (not in any individuals) in gnomAD ExomesThe p.G3816D variant is novel (not in any individuals) in 1000 Genomes. There is a moderate physicochemical difference between glycine and aspartic acid. The p.G3816D missense variant is predicted to be damaging by both SIFT and PolyPhen2. The glycine residue at codon 3816 of RYR2 is conserved in all mammalian species. The nucleotide c.11447 in RYR2 is predicted conserved by GERP++ and PhyloP across 100 vertebrates. For these reasons, this variant has been classified as Uncertain Significance